The following is an entry in ClinVar:

ClinVar aggregate classification (germline): Uncertain significance (1 of 4 stars; one submission).

Submission:

Dasa
Classification: Uncertain significance. Last evaluated: 2026-06-27. Review status: criteria provided, single submitter. Criteria: DASA Assertion Criteria. Collection method: clinical testing. Allele origin: germline.
Comment: NM_000475.5(NR0B1):c.496C>T (p.Arg166Trp) is a missense variant that results in the substitution of arginine with tryptophan. This variant is rare in population databases. The currently available literature and clinical evidence are not sufficient to establish a definitive association between this variant and the reported condition. Therefore, this variant is classified as a variant of uncertain significance.

NM_000475.5(NR0B1):c.496C>T (p.Arg166Trp)

Gene: NR0B1 (nuclear receptor subfamily 0 group B member 1; minus strand). Cytogenetic location: Xp21.2.
Variant type: single nucleotide variant.
Coding change: c.496C>T on transcript NM_000475.5 (MANE Select); coding-DNA position 496, C replaced by T.
Protein change: p.Arg166Trp; replaces arginine 166 with tryptophan.
Molecular consequence: missense variant.
Genome position (GRCh38, 1-based): chrX:30,308,868, G>A on the plus strand (C>T on the coding strand, the complement: NR0B1 is on the minus strand). VCF-style: chrX-30308868-G-A. GRCh37 (hg19) VCF-style: chrX-30326985-G-A.
Other names: short protein forms R166W.
Identifiers: ClinVar variation 5020297 (VCV005020297.1).